The following is an entry in ClinVar:

ClinVar aggregate classification (germline): Uncertain significance (1 of 4 stars; one submission).

Submission:

GeneDx
Classification: Uncertain significance. Last evaluated: 2024-03-27. Review status: criteria provided, single submitter. Criteria: GeneDx Variant Classification Process June 2021. Collection method: clinical testing. Allele origin: germline. Affected: yes.
Comment: Not observed at significant frequency in large population cohorts (gnomAD); In silico analysis supports that this missense variant does not alter protein structure/function; Has not been previously published as pathogenic or benign to our knowledge

NM_031407.7(HUWE1):c.9826G>A (p.Glu3276Lys)

Gene: HUWE1 (HECT, UBA and WWE domain containing E3 ubiquitin protein ligase 1; minus strand). Cytogenetic location: Xp11.22.
Variant type: single nucleotide variant.
Coding change: c.9826G>A on transcript NM_031407.7 (MANE Select); coding-DNA position 9826, G replaced by A.
Protein change: p.Glu3276Lys; replaces glutamic acid 3276 with lysine.
Molecular consequence: missense variant.
Genome position (GRCh38, 1-based): chrX:53,549,168, C>T on the plus strand (G>A on the coding strand, the complement: HUWE1 is on the minus strand). VCF-style: chrX-53549168-C-T. GRCh37 (hg19) VCF-style: chrX-53576129-C-T.
Other names: short protein forms E3276K.
Identifiers: ClinVar variation 3371725 (VCV003371725.1).